The following is an entry in ClinVar:

NM_013335.4(GMPPA):c.958C>T (p.Arg320Trp)

Genes: ASIC4-AS1 (ASIC4 antisense RNA 1; minus strand), GMPPA (GDP-mannose pyrophosphorylase A; plus strand). Cytogenetic location: 2q35.
Variant type: single nucleotide variant.
Coding change: c.958C>T on transcript NM_013335.4 (MANE Select); coding-DNA position 958, C replaced by T.
Protein change: p.Arg320Trp; replaces arginine 320 with tryptophan.
Molecular consequence: missense variant.
Genome position (GRCh38, 1-based): chr2:219,506,037, C>T. VCF-style: chr2-219506037-C-T. GRCh37 (hg19) VCF-style: chr2-220370759-C-T.
Other names: c.958C>T, p.Arg320Trp (NM_001374294.1, NM_001374295.1, NM_205847.3); short protein forms R320W.
Identifiers: ClinVar variation 960828 (VCV000960828.8), dbSNP rs549821547, ClinGen allele CA2128371.

ClinVar aggregate classification (germline): Uncertain significance. Review status: criteria provided, multiple submitters, no conflicts (2 of 4 stars). 3 submissions from 3 submitters: Uncertain significance (3). Last evaluated 2025-06-18.

Conditions:
Alacrima, achalasia, and impaired intellectual development syndrome. Also called: Alacrima, achalasia, and mental retardation syndrome; Alacrima, achalasia, and intellectual disability syndrome. Identifiers: Orphanet 869, MedGen C4706563, MONDO:0014219, OMIM 615510.
Inborn genetic diseases. Identifiers: MedGen C0950123, MeSH D030342.

Allele frequency attached by ClinVar (database versions not stated): gnomAD 0.00011 and 0.00009; TOPMed 0.00014; gnomAD exomes 0.00002; ExAC 0.00004; 1000 Genomes Project 0.00020; 1000 Genomes Project 30x 0.00016.
gnomAD v4.1: 41 of 1,594,988 alleles (0.0026%); highest among the groups gnomAD compares: African/African-American, 0.016%; no homozygotes.

Submissions (3):

Ambry Genetics
Classification: Uncertain significance for Inborn genetic diseases. Last evaluated: 2025-06-18. Review status: criteria provided, single submitter. Criteria: Ambry Variant Classification Scheme 2023. Collection method: clinical testing. Allele origin: germline.

Labcorp Genetics (formerly Invitae), Labcorp
Classification: Uncertain significance for Alacrima, achalasia, and impaired intellectual development syndrome. Last evaluated: 2021-11-08. Review status: criteria provided, single submitter. Criteria: Invitae Variant Classification Sherloc (09022015). Collection method: clinical testing. Allele origin: germline.
Comment: This sequence change replaces arginine, which is basic and polar, with tryptophan, which is neutral and slightly polar, at codon 320 of the GMPPA protein (p.Arg320Trp). The frequency data for this variant in the population databases is considered unreliable, as metrics indicate poor data quality at this position in the gnomAD database. This variant has not been reported in the literature in individuals affected with GMPPA-related conditions. ClinVar contains an entry for this variant (Variation ID: 960828). Algorithms developed to predict the effect of missense changes on protein structure and function are either unavailable or do not agree on the potential impact of this missense change (SIFT: "Deleterious"; PolyPhen-2: "Probably Damaging"; Align-GVGD: "Class C0"). In summary, the available evidence is currently insufficient to determine the role of this variant in disease. Therefore, it has been classified as a Variant of Uncertain Significance.

Breakthrough Genomics
Classification: Uncertain significance. Review status: criteria provided, single submitter. Criteria: ACMG Guidelines, 2015. Collection method: not provided. Allele origin: germline. Inheritance: Autosomal recessive inheritance. Affected: yes.